The following is an entry in ClinVar:

NM_032119.4(ADGRV1):c.13088A>G (p.Tyr4363Cys)

Gene: ADGRV1 (adhesion G protein-coupled receptor V1; plus strand). Cytogenetic location: 5q14.3.
Variant type: single nucleotide variant.
Coding change: c.13088A>G on transcript NM_032119.4 (MANE Select); coding-DNA position 13088, A replaced by G.
Protein change: p.Tyr4363Cys; replaces tyrosine 4363 with cysteine.
Molecular consequence: missense variant. On other transcripts: non-coding transcript variant (1).
Genome position (GRCh38, 1-based): chr5:90,781,435, A>G. VCF-style: chr5-90781435-A-G. GRCh37 (hg19) VCF-style: chr5-90077252-A-G.
Other names: c.13088A>G (NM_032119.3); short protein forms Y4363C.
Identifiers: ClinVar variation 1339900 (VCV001339900.6), dbSNP rs1040207686, ClinGen allele CA122804777.

ClinVar aggregate classification (germline): Uncertain significance. Review status: criteria provided, multiple submitters, no conflicts (2 of 4 stars). 2 submissions from 2 submitters: Uncertain significance (2). Last evaluated 2021-09-01.

Conditions:
Inborn genetic diseases. Identifiers: MedGen C0950123, MeSH D030342.

Allele frequency attached by ClinVar (database versions not stated): gnomAD exomes below 0.00001 and 0.00001; TOPMed below 0.00001.
gnomAD v4.1: 7 of 1,599,844 alleles (0.00044%); highest among the groups gnomAD compares: African/African-American, 0.0013%; no homozygotes.

Submissions (2):

Ambry Genetics
Classification: Uncertain significance for Inborn genetic diseases. Last evaluated: 2021-09-01. Review status: criteria provided, single submitter. Criteria: Ambry Variant Classification Scheme 2023. Collection method: clinical testing. Allele origin: germline.

Blueprint Genetics
Classification: Uncertain significance. Last evaluated: 2020-11-11. Review status: criteria provided, single submitter. Criteria: ACMG Guidelines, 2015. Collection method: clinical testing. Allele origin: germline.